The following is an entry in ClinVar:

ClinVar aggregate classification (germline): Uncertain significance (1 of 4 stars; one submission).

Conditions:
Cardiovascular phenotype. Identifiers: MedGen CN230736.

gnomAD v4.1: 7 of 1,210,959 alleles (0.00058%); highest among the groups gnomAD compares: South Asian, 0.0053%; no homozygotes.

Submission:

Ambry Genetics
Classification: Uncertain significance for Cardiovascular phenotype. Last evaluated: 2025-02-06. Review status: criteria provided, single submitter. Criteria: Ambry Variant Classification Scheme 2023. Collection method: clinical testing. Allele origin: germline.
Comment: The p.M323T variant (also known as c.968T>C), located in coding exon 7 of the BGN gene, results from a T to C substitution at nucleotide position 968. The methionine at codon 323 is replaced by threonine, an amino acid with similar properties. This amino acid position is conserved. In addition, this alteration is predicted to be tolerated by in silico analysis. Based on the available evidence, the clinical significance of this variant remains unclear.

NM_001711.6(BGN):c.968T>C (p.Met323Thr)

Gene: BGN (biglycan; plus strand). Cytogenetic location: Xq28.
Variant type: single nucleotide variant.
Coding change: c.968T>C on transcript NM_001711.6 (MANE Select); coding-DNA position 968, T replaced by C.
Protein change: p.Met323Thr; replaces methionine 323 with threonine.
Molecular consequence: missense variant.
Genome position (GRCh38, 1-based): chrX:153,508,306, T>C. VCF-style: chrX-153508306-T-C. GRCh37 (hg19) VCF-style: chrX-152773764-T-C.
Other names: short protein forms M323T.
Identifiers: ClinVar variation 3824239 (VCV003824239.1).
Genomic context (GRCh38, chrX:153,508,306, plus strand): 5'-AGGTGGTCTATCTGCACTCCAACAACATCACCAAAGTGGGTGTCAACGACTTCTGTCCCA[T>C]GGGCTTCGGGGTGAAGCGGGCCTACTACAACGGCATCAGCCTCTTCAACAACCCCGTGCC-3'
Protein context (NP_001702.1, residues 313-333): TKVGVNDFCP[Met323Thr]GFGVKRAYYN